The following is an entry in ClinVar:

ClinVar aggregate classification (germline): Uncertain significance (1 of 4 stars; one submission).

Allele frequency attached by ClinVar (database versions not stated): TOPMed below 0.00001; ExAC 0.00001; gnomAD 0.00001; gnomAD exomes 0.00001.
gnomAD v4.1: 6 of 1,613,860 alleles (0.00037%); highest among the groups gnomAD compares: Non-Finnish European, 0.00051%; no homozygotes.

Submission:

Labcorp Genetics (formerly Invitae), Labcorp
Classification: Uncertain significance. Last evaluated: 2023-12-02. Review status: criteria provided, single submitter. Criteria: Invitae Variant Classification Sherloc (09022015). Collection method: clinical testing. Allele origin: germline.
Comment: This sequence change replaces threonine, which is neutral and polar, with isoleucine, which is neutral and non-polar, at codon 164 of the COL10A1 protein (p.Thr164Ile). This variant is present in population databases (rs780095832, gnomAD 0.002%). This variant has not been reported in the literature in individuals affected with COL10A1-related conditions. Advanced modeling of protein sequence and biophysical properties (such as structural, functional, and spatial information, amino acid conservation, physicochemical variation, residue mobility, and thermodynamic stability) has been performed at Invitae for this missense variant, however the output from this modeling did not meet the statistical confidence thresholds required to predict the impact of this variant on COL10A1 protein function. In summary, the available evidence is currently insufficient to determine the role of this variant in disease. Therefore, it has been classified as a Variant of Uncertain Significance.

NM_000493.4(COL10A1):c.491C>T (p.Thr164Ile)

Genes: COL10A1 (collagen type X alpha 1 chain; minus strand), NT5DC1 (5'-nucleotidase domain containing 1; plus strand). Cytogenetic location: 6q22.1.
Variant type: single nucleotide variant.
Coding change: c.491C>T on transcript NM_000493.4 (MANE Select); coding-DNA position 491, C replaced by T.
Protein change: p.Thr164Ile; replaces threonine 164 with isoleucine.
Molecular consequence: missense variant. On other transcripts: intron variant (1).
Genome position (GRCh38, 1-based): chr6:116,121,625, G>A on the plus strand (C>T on the coding strand, the complement: COL10A1 is on the minus strand). VCF-style: chr6-116121625-G-A. GRCh37 (hg19) VCF-style: chr6-116442788-G-A.
Other names: c.491C>T, p.Thr164Ile (NM_001424106.1, NM_001424107.1); c.529+3680G>A (NM_152729.3); short protein forms T164I.
Identifiers: ClinVar variation 2878943 (VCV002878943.3), dbSNP rs780095832, ClinGen allele CA3968386.
Genomic context (GRCh38, chr6:116,121,625, plus strand): 5'-ATACCAGGGACTCCTGGTGCACCCTTTTCTCCAGGAAAGCCCCTGGGTCCTGGGGCTCCT[G>A]TGGGTCCCTGTTGTCCAGGTTTTCCTGGCACAGAAATTCCAGCCGGTCCAGGGATTCCAG-3'
Protein context (NP_000484.2, residues 154-174): VPGKPGQQGP[Thr164Ile]GAPGPRGFPG